The following is an entry in ClinVar:

NM_001367624.2(ZNF469):c.5500C>A (p.His1834Asn)

Gene: ZNF469 (zinc finger protein 469; plus strand). Cytogenetic location: 16q24.2.
Variant type: single nucleotide variant.
Coding change: c.5500C>A on transcript NM_001367624.2 (MANE Select); coding-DNA position 5500, C replaced by A.
Protein change: p.His1834Asn; replaces histidine 1834 with asparagine.
Molecular consequence: missense variant.
Genome position (GRCh38, 1-based): chr16:88,432,970, C>A. VCF-style: chr16-88432970-C-A. GRCh37 (hg19) VCF-style: chr16-88499378-C-A.
Other names: NM_001127464.1:c.5416C>A; short protein forms H1834N.
Identifiers: ClinVar variation 2449433 (VCV002449433.4), dbSNP rs1369734311, ClinGen allele CA397100913.
Genomic context (GRCh38, chr16:88,432,970, plus strand): 5'-GCTCCACCTCTGGATGCCACCTGGCCTTTTGGTGCCAGTCCCAGCCATGCTGCCCAGGGA[C>A]ATTCTGCAGGCAGAGCAGGTGGGCACCTCCACCCCACGGCAGGGAGGCCTGGCTTTGAGG-3'
Protein context (NP_001354553.1, residues 1824-1844): GASPSHAAQG[His1834Asn]SAGRAGGHLH

ClinVar aggregate classification (germline): Uncertain significance. Review status: criteria provided, multiple submitters, no conflicts (2 of 4 stars). 2 submissions from 2 submitters: Uncertain significance (2). Last evaluated 2024-04-18.

Conditions:
Cardiovascular phenotype. Identifiers: MedGen CN230736.

Allele frequency attached by ClinVar (database versions not stated): gnomAD exomes below 0.00001; TOPMed below 0.00001.
gnomAD v4.1: 7 of 1,550,410 alleles (0.00045%); highest among the groups gnomAD compares: Non-Finnish European, 0.00052%; no homozygotes.

Submissions (2):

Labcorp Genetics (formerly Invitae), Labcorp
Classification: Uncertain significance. Last evaluated: 2024-04-18. Review status: criteria provided, single submitter. Criteria: Invitae Variant Classification Sherloc (09022015). Collection method: clinical testing. Allele origin: germline.
Comment: This sequence change replaces histidine, which is basic and polar, with asparagine, which is neutral and polar, at codon 1806 of the ZNF469 protein (p.His1806Asn). This variant is present in population databases (no rsID available, gnomAD no frequency). This variant has not been reported in the literature in individuals affected with ZNF469-related conditions. ClinVar contains an entry for this variant (Variation ID: 2449433). Algorithms developed to predict the effect of missense changes on protein structure and function output the following: SIFT: "Not Available"; PolyPhen-2: "Benign"; Align-GVGD: "Not Available". The asparagine amino acid residue is found in multiple mammalian species, which suggests that this missense change does not adversely affect protein function. In summary, the available evidence is currently insufficient to determine the role of this variant in disease. Therefore, it has been classified as a Variant of Uncertain Significance.

Ambry Genetics
Classification: Uncertain significance for Cardiovascular phenotype. Last evaluated: 2022-11-04. Review status: criteria provided, single submitter. Criteria: Ambry Variant Classification Scheme 2023. Collection method: clinical testing. Allele origin: germline.
Comment: The p.H1806N variant (also known as c.5416C>A), located in coding exon 2 of the ZNF469 gene, results from a C to A substitution at nucleotide position 5416. The histidine at codon 1806 is replaced by asparagine, an amino acid with similar properties. This amino acid position is conserved. In addition, this alteration is predicted to be tolerated by in silico analysis. Since supporting evidence is limited at this time, the clinical significance of this alteration remains unclear.